The following is an entry in ClinVar:

NM_004333.6(BRAF):c.71A>C (p.Glu24Ala)

Gene: BRAF (B-Raf proto-oncogene, serine/threonine kinase; minus strand). Cytogenetic location: 7q34.
Variant type: single nucleotide variant.
Coding change: c.71A>C on transcript NM_004333.6 (MANE Select); coding-DNA position 71, A replaced by C.
Protein change: p.Glu24Ala; replaces glutamic acid 24 with alanine.
Molecular consequence: missense variant.
Genome position (GRCh38, 1-based): chr7:140,924,633, T>G on the plus strand (A>C on the coding strand, the complement: BRAF is on the minus strand). VCF-style: chr7-140924633-T-G. GRCh37 (hg19) VCF-style: chr7-140624433-T-G.
Other names: c.71A>C, p.Glu24Ala (NM_001354609.2, NM_001374244.1, NM_001374258.1 and 7 more transcripts); short protein forms E24A.
Identifiers: ClinVar variation 2154361 (VCV002154361.4), dbSNP rs1586674580, ClinGen allele CA369590155.

ClinVar aggregate classification (germline): Uncertain significance (1 of 4 stars; one submission).

Conditions:
RASopathy. Also called: rasopathies; Noonan spectrum disorder. Identifiers: Orphanet 536391, MedGen C5555857, MONDO:0021060.

Allele frequency attached by ClinVar (database versions not stated): gnomAD exomes below 0.00001; gnomAD 0.00001.
gnomAD v4.1: 2 of 1,503,978 alleles (0.00013%); highest among the groups gnomAD compares: East Asian, 0.0025%; no homozygotes.

Submission:

Labcorp Genetics (formerly Invitae), Labcorp
Classification: Uncertain significance for RASopathy. Last evaluated: 2023-09-25. Review status: criteria provided, single submitter. Criteria: Invitae Variant Classification Sherloc (09022015). Collection method: clinical testing. Allele origin: germline.
Comment: Advanced modeling of protein sequence and biophysical properties (such as structural, functional, and spatial information, amino acid conservation, physicochemical variation, residue mobility, and thermodynamic stability) has been performed at Invitae for this missense variant, however the output from this modeling did not meet the statistical confidence thresholds required to predict the impact of this variant on BRAF protein function. In summary, the available evidence is currently insufficient to determine the role of this variant in disease. Therefore, it has been classified as a Variant of Uncertain Significance. ClinVar contains an entry for this variant (Variation ID: 2154361). This variant has not been reported in the literature in individuals affected with BRAF-related conditions. This variant is not present in population databases (gnomAD no frequency). This sequence change replaces glutamic acid, which is acidic and polar, with alanine, which is neutral and non-polar, at codon 24 of the BRAF protein (p.Glu24Ala).